The following is an entry in ClinVar:

GRCh37/hg19 6p25.3-25.1(chr6:156975-5885318)x1

Genes: BPHL (biphenyl hydrolase like; plus strand), C6orf201 (chromosome 6 open reading frame 201; plus strand), CDYL (chromodomain Y like; plus strand), DUSP22 (dual specificity phosphatase 22; plus strand), ECI2 (enoyl-CoA delta isomerase 2; minus strand) and 28 more. Cytogenetic location: 6p25.3-25.1.
Variant type: copy number loss.
Change: copy number 1 (one copy instead of two) of chr6:156,975-5,885,318 (5.73 Mb, GRCh37 coordinates, 1-based), cytogenetic band 6p25.3-25.1.
Identifiers: ClinVar variation 3391889 (VCV003391889.1).

ClinVar aggregate classification (germline): Pathogenic (1 of 4 stars; one submission).

Submission:

Quest Diagnostics Nichols Institute San Juan Capistrano
Classification: Pathogenic. Last evaluated: 2023-08-18. Review status: criteria provided, single submitter. Criteria: ACMG/ClinGen CNV Guidelines, 2019. Collection method: clinical testing. Allele origin: unknown.
Comment: This loss involves multiple protein-coding genes, including FOXC1 (OMIM 601090), and overlaps the region associated with the chromosome 6pter-p24 deletion syndrome (OMIM 612582; Qi 2015, Bozza 2013, Le 2023, Rraku 2023). Haploinsufficiency of FOXC1 is associated with the Axenfeld-Rieger syndrome type 3 (RIEG3; OMIM 602482; CCID:007153 ). Therefore, based on current medical literature and gene count, this copy number variant (CNV) is classified as pathogenic. References: Aldinger et al., Nat Genet. 2009 Sep;41(9):1037-42. PMID: 19668217; Bozza et al. Eur J Paediatr Neurol. 2013 May;17(3):225-31. PMID: 2306935; Le et al., Am J Med Genet A. 2023 Jun;191(6):1639-1645. PMID: 36941760; Qi et al. BMC Med Genomics. 2015 Jul 15;8:38. PMID: 26174853; Rraku et al., Orphanet J Rare Dis. 2023 Mar 24;18(1):68. PMID: 36964621